The following is an entry in ClinVar:

ClinVar aggregate classification (germline): Uncertain significance (1 of 4 stars; one submission).

Conditions:
Myofibrillar myopathy 6. Identifiers: Orphanet 199340, MedGen C2751831, MONDO:0013061, OMIM 612954.
Dilated cardiomyopathy 1HH (CMD1HH). Identifiers: Orphanet 154, MedGen C3151293, MONDO:0013479, OMIM 613881.

Submission:

Labcorp Genetics (formerly Invitae), Labcorp
Classification: Uncertain significance for Dilated cardiomyopathy 1HH; Myofibrillar myopathy 6. Last evaluated: 2020-05-14. Review status: criteria provided, single submitter. Criteria: Invitae Variant Classification Sherloc (09022015). Collection method: clinical testing. Allele origin: germline.
Comment: In summary, the available evidence is currently insufficient to determine the role of this variant in disease. Therefore, it has been classified as a Variant of Uncertain Significance. Algorithms developed to predict the effect of missense changes on protein structure and function output the following: SIFT: "Deleterious"; PolyPhen-2: "Not Available"; Align-GVGD: "Class C0". The proline amino acid residue is found in multiple mammalian species, suggesting that this missense change does not adversely affect protein function. These predictions have not been confirmed by published functional studies and their clinical significance is uncertain. This variant has not been reported in the literature in individuals with BAG3-related conditions. This variant is not present in population databases (ExAC no frequency). This sequence change replaces threonine with proline at codon 568 of the BAG3 protein (p.Thr568Pro). The threonine residue is moderately conserved and there is a small physicochemical difference between threonine and proline.

NM_004281.4(BAG3):c.1702A>C (p.Thr568Pro)

Gene: BAG3 (BAG cochaperone 3; plus strand). Cytogenetic location: 10q26.11.
Variant type: single nucleotide variant.
Coding change: c.1702A>C on transcript NM_004281.4 (MANE Select); coding-DNA position 1702, A replaced by C.
Protein change: p.Thr568Pro; replaces threonine 568 with proline.
Molecular consequence: missense variant.
Genome position (GRCh38, 1-based): chr10:119,677,256, A>C. VCF-style: chr10-119677256-A-C. GRCh37 (hg19) VCF-style: chr10-121436768-A-C.
Other names: short protein forms T568P.
Identifiers: ClinVar variation 1046401 (VCV001046401.8), dbSNP rs1407009048, ClinGen allele CA378297890.